The following is an entry in ClinVar:

ClinVar aggregate classification (germline): Uncertain significance (1 of 4 stars; one submission).

Allele frequency attached by ClinVar (database versions not stated): gnomAD exomes 0.00001; gnomAD 0.00003 and 0.00004; ExAC 0.00004.
gnomAD v4.1: 23 of 1,559,710 alleles (0.0015%); highest among the groups gnomAD compares: Non-Finnish European, 0.0016%; no homozygotes.

Submission:

Labcorp Genetics (formerly Invitae), Labcorp
Classification: Uncertain significance. Last evaluated: 2026-01-22. Review status: criteria provided, single submitter. Criteria: Invitae Variant Classification Sherloc (09022015). Collection method: clinical testing. Allele origin: germline.
Comment: This sequence change replaces isoleucine, which is neutral and non-polar, with phenylalanine, which is neutral and non-polar, at codon 2295 of the FBN3 protein (p.Ile2295Phe). This variant is present in population databases (rs746532390, gnomAD 0.01%). This variant has not been reported in the literature in individuals affected with FBN3-related conditions. ClinVar contains an entry for this variant (Variation ID: 1482677). An algorithm developed to predict the effect of missense changes on protein structure and function (PolyPhen-2) suggests that this variant is likely to be tolerated. In summary, the available evidence is currently insufficient to determine the role of this variant in disease. Therefore, it has been classified as a Variant of Uncertain Significance.

NM_032447.5(FBN3):c.6883A>T (p.Ile2295Phe)

Gene: FBN3 (fibrillin 3; minus strand). Cytogenetic location: 19p13.2.
Variant type: single nucleotide variant.
Coding change: c.6883A>T on transcript NM_032447.5 (MANE Select); coding-DNA position 6883, A replaced by T.
Protein change: p.Ile2295Phe; replaces isoleucine 2295 with phenylalanine.
Molecular consequence: missense variant.
Genome position (GRCh38, 1-based): chr19:8,085,567, T>A on the plus strand (A>T on the coding strand, the complement: FBN3 is on the minus strand). VCF-style: chr19-8085567-T-A. GRCh37 (hg19) VCF-style: chr19-8150451-T-A.
Other names: c.6883A>T, p.Ile2295Phe (NM_001321431.2); short protein forms I2295F.
Identifiers: ClinVar variation 1482677 (VCV001482677.6), dbSNP rs746532390, ClinGen allele CA9151063.
Genomic context (GRCh38, chr19:8,085,567, plus strand): 5'-TGCTGGACAGAGACCGGCACATGGTCTGCAGCACCTCGGCAAAGCAGGGCCCCTGCCGGA[T>A]GTCTGCAGAGAACAATGGGAAAGACAACGGTCACTCCAGGAGGCTGGTTTGGGGGCAAAG-3'
Protein context (NP_115823.3, residues 2285-2305): PSPTLTECHD[Ile2295Phe]RQGPCFAEVL